The following is an entry in ClinVar:

ClinVar aggregate classification (germline): Benign. Review status: criteria provided, multiple submitters, no conflicts (2 of 4 stars). 5 submissions from 4 submitters: Benign (5). Last evaluated 2021-07-01.

Conditions:
Usher syndrome type 1D (USH1D). Also called: USHER SYNDROME, TYPE ID. Identifiers: Orphanet 231169, Orphanet 886, MedGen C1832845, MONDO:0010984, OMIM 601067.
Autosomal recessive nonsyndromic hearing loss 12. Also called: DEAFNESS, AUTOSOMAL RECESSIVE 12. Identifiers: Orphanet 90636, MedGen C1832394, MONDO:0011067, OMIM 601386.

Allele frequency attached by ClinVar (database versions not stated): ExAC 0.18407; gnomAD exomes 0.18056; TOPMed 0.20124; 1000 Genomes Project 0.20168; ESP Exome Variant Server 0.20175; gnomAD 0.20250 and 0.20565; 1000 Genomes Project 30x 0.20347.
gnomAD v4.1: 290,061 of 1,528,944 alleles (19%); highest among the groups gnomAD compares: East Asian, 27%; 28,434 homozygotes.

Submissions (5):

Genome-Nilou Lab
Classification: Benign for Usher syndrome type 1D. Last evaluated: 2021-07-01. Review status: criteria provided, single submitter. Criteria: ACMG Guidelines, 2015. Collection method: clinical testing. Allele origin: germline. Affected: no.

Genome-Nilou Lab
Classification: Benign for Autosomal recessive nonsyndromic hearing loss 12. Last evaluated: 2021-07-01. Review status: criteria provided, single submitter. Criteria: ACMG Guidelines, 2015. Collection method: clinical testing. Allele origin: germline. Affected: no.

GeneDx
Classification: Benign. Last evaluated: 2018-06-13. Review status: criteria provided, single submitter. Criteria: GeneDx Variant Classification (06012015). Collection method: clinical testing. Allele origin: germline. Affected: yes.
Comment: This variant is considered likely benign or benign based on one or more of the following criteria: it is a conservative change, it occurs at a poorly conserved position in the protein, it is predicted to be benign by multiple in silico algorithms, and/or has population frequency not consistent with disease.

Breakthrough Genomics
Classification: Benign. Review status: criteria provided, single submitter. Criteria: ACMG Guidelines, 2015. Collection method: not provided. Allele origin: germline. Inheritance: Autosomal recessive inheritance. Affected: yes.

PreventionGenetics, part of Exact Sciences
Classification: Benign. Review status: criteria provided, single submitter. Criteria: ACMG Guidelines, 2015. Collection method: clinical testing. Allele origin: germline.

NM_022124.6(CDH23):c.5503-44T>C

Gene: CDH23 (cadherin related 23; plus strand). Cytogenetic location: 10q22.1.
Variant type: single nucleotide variant.
Coding change: c.5503-44T>C on transcript NM_022124.6 (MANE Select); 44 bases into the intron before coding-DNA position 5503, T replaced by C.
Molecular consequence: intron variant.
Genome position (GRCh38, 1-based): chr10:71,784,847, T>C. VCF-style: chr10-71784847-T-C. GRCh37 (hg19) VCF-style: chr10-73544604-T-C.
Identifiers: ClinVar variation 261552 (VCV000261552.6), dbSNP rs7068810, ClinGen allele CA5545788.